The following is an entry in ClinVar:

NM_002206.3(ITGA7):c.3318C>G (p.Ser1106Arg)

Gene: ITGA7 (integrin subunit alpha 7; minus strand). Cytogenetic location: 12q13.2.
Variant type: single nucleotide variant.
Coding change: c.3318C>G on transcript NM_002206.3 (MANE Select); coding-DNA position 3318, C replaced by G.
Protein change: p.Ser1106Arg; replaces serine 1106 with arginine.
Molecular consequence: missense variant.
Genome position (GRCh38, 1-based): chr12:55,685,154, G>C on the plus strand (C>G on the coding strand, the complement: ITGA7 is on the minus strand). VCF-style: chr12-55685154-G-C. GRCh37 (hg19) VCF-style: chr12-56078938-G-C.
Other names: c.3330C>G, p.Ser1110Arg (NM_001144996.2); c.3039C>G, p.Ser1013Arg (NM_001144997.2); c.2991C>G, p.Ser997Arg (NM_001367993.1); c.1974C>G, p.Ser658Arg (NM_001367994.1); c.3300C>G, p.Ser1100Arg (NM_001374465.1); c.3450C>G, p.Ser1150Arg (NM_001410977.1); c.3312C>G, p.Ser1104Arg (NM_001414029.1); c.3243C>G, p.Ser1081Arg (NM_001414030.1); and 5 more; short protein forms S1100R, S1106R, S658R, S1110R, S1013R, S997R, S1150R, S1031R.
Identifiers: ClinVar variation 1492138 (VCV001492138.3), dbSNP rs1229031292, ClinGen allele CA385180137.

ClinVar aggregate classification (germline): Uncertain significance (1 of 4 stars; one submission).

Conditions:
Congenital muscular dystrophy due to integrin alpha-7 deficiency. Also called: MYOPATHY, CONGENITAL, DUE TO INTEGRIN ALPHA-7 DEFICIENCY; Congenital muscular dystrophy with integrin alpha-7 deficiency; Muscular dystrophy, congenital, due to ITGA7 deficiency. Identifiers: Orphanet 34520, MedGen C2750786, MONDO:0013177, OMIM 613204.

Allele frequency attached by ClinVar (database versions not stated): gnomAD exomes below 0.00001 and 0.00001.
gnomAD v4.1: 17 of 1,613,832 alleles (0.0011%); highest among the groups gnomAD compares: Non-Finnish European, 0.0014%; no homozygotes.

Submission:

Labcorp Genetics (formerly Invitae), Labcorp
Classification: Uncertain significance for Congenital muscular dystrophy due to integrin alpha-7 deficiency. Last evaluated: 2021-10-19. Review status: criteria provided, single submitter. Criteria: Invitae Variant Classification Sherloc (09022015). Collection method: clinical testing. Allele origin: germline.
Comment: This sequence change replaces serine with arginine at codon 1106 of the ITGA7 protein (p.Ser1106Arg). The serine residue is weakly conserved and there is a moderate physicochemical difference between serine and arginine. This variant is not present in population databases (ExAC no frequency). This variant has not been reported in the literature in individuals affected with ITGA7-related conditions. Algorithms developed to predict the effect of missense changes on protein structure and function (SIFT, PolyPhen-2, Align-GVGD) all suggest that this variant is likely to be tolerated. In summary, the available evidence is currently insufficient to determine the role of this variant in disease. Therefore, it has been classified as a Variant of Uncertain Significance.